The following is an entry in ClinVar:

ClinVar aggregate classification (germline): Likely benign. Review status: criteria provided, multiple submitters, no conflicts (2 of 4 stars). 3 submissions from 3 submitters: Likely benign (3). Last evaluated 2025-11-03.

Conditions:
PPP2R5D-related disorder. Also called: PPP2R5D-related condition.

Allele frequency attached by ClinVar (database versions not stated): ExAC 0.00002; gnomAD exomes 0.00002; TOPMed 0.00004; gnomAD 0.00005; ESP Exome Variant Server 0.00008; 1000 Genomes Project 0.00020; 1000 Genomes Project 30x 0.00031.

Submissions (3):

Labcorp Genetics (formerly Invitae), Labcorp
Classification: Likely benign. Last evaluated: 2025-11-03. Review status: criteria provided, single submitter. Criteria: Invitae Variant Classification Sherloc (09022015). Collection method: clinical testing. Allele origin: germline.

PreventionGenetics, part of Exact Sciences
Classification: Likely benign for PPP2R5D-related condition. Last evaluated: 2025-07-01. Review status: criteria provided, single submitter. Criteria: ACMG Guidelines, 2015. Collection method: clinical testing. Allele origin: germline.
Comment: This variant is classified as likely benign based on ACMG/AMP sequence variant interpretation guidelines (Richards et al. 2015 PMID: 25741868, with internal and published modifications).

GeneDx
Classification: Likely benign. Last evaluated: 2021-02-15. Review status: criteria provided, single submitter. Criteria: GeneDx Variant Classification Process June 2021. Collection method: clinical testing. Allele origin: germline. Affected: yes.

NM_006245.4(PPP2R5D):c.1410G>A (p.Leu470=)

Gene: PPP2R5D (protein phosphatase 2 regulatory subunit B'delta; plus strand). Cytogenetic location: 6p21.1.
Variant type: single nucleotide variant.
Coding change: c.1410G>A on transcript NM_006245.4 (MANE Select); coding-DNA position 1410, G replaced by A.
Protein change: p.Leu470=; no amino-acid change (leucine 470 retained).
Molecular consequence: synonymous variant.
Genome position (GRCh38, 1-based): chr6:43,010,498, G>A. VCF-style: chr6-43010498-G-A. GRCh37 (hg19) VCF-style: chr6-42978236-G-A.
Other names: c.957G>A, p.Leu319= (NM_001270476.2); c.1314G>A, p.Leu438= (NM_180976.3); c.1092G>A, p.Leu364= (NM_180977.3).
Identifiers: ClinVar variation 723768 (VCV000723768.11), dbSNP rs145055320, ClinGen allele CA3812059.